The following is an entry in ClinVar:

ClinVar aggregate classification (germline): Uncertain significance (1 of 4 stars; one submission).

gnomAD v4.1: 1 of 1,563,994 alleles (0.000064%); highest among the groups gnomAD compares: Non-Finnish European, 0.000087%; no homozygotes.

Submission:

Labcorp Genetics (formerly Invitae), Labcorp
Classification: Uncertain significance. Last evaluated: 2022-09-12. Review status: criteria provided, single submitter. Criteria: Invitae Variant Classification Sherloc (09022015). Collection method: clinical testing. Allele origin: germline.
Comment: In summary, the available evidence is currently insufficient to determine the role of this variant in disease. Therefore, it has been classified as a Variant of Uncertain Significance. Advanced modeling of protein sequence and biophysical properties (such as structural, functional, and spatial information, amino acid conservation, physicochemical variation, residue mobility, and thermodynamic stability) performed at Invitae indicates that this missense variant is not expected to disrupt TBCK protein function. ClinVar contains an entry for this variant (Variation ID: 1488710). This variant has not been reported in the literature in individuals affected with TBCK-related conditions. This variant is not present in population databases (gnomAD no frequency). This sequence change replaces aspartic acid, which is acidic and polar, with asparagine, which is neutral and polar, at codon 208 of the TBCK protein (p.Asp208Asn).

NM_001163435.3(TBCK):c.622G>A (p.Asp208Asn)

Gene: TBCK (TBC1 domain containing kinase; minus strand). Cytogenetic location: 4q24.
Variant type: single nucleotide variant.
Coding change: c.622G>A on transcript NM_001163435.3 (MANE Select); coding-DNA position 622, G replaced by A.
Protein change: p.Asp208Asn; replaces aspartic acid 208 with asparagine.
Molecular consequence: missense variant.
Genome position (GRCh38, 1-based): chr4:106,250,454, C>T on the plus strand (G>A on the coding strand, the complement: TBCK is on the minus strand). VCF-style: chr4-106250454-C-T. GRCh37 (hg19) VCF-style: chr4-107171611-C-T.
Other names: c.622G>A, p.Asp208Asn (NM_001163436.4); c.505G>A, p.Asp169Asn (NM_001163437.3); c.106G>A, p.Asp36Asn (NM_001290768.2); c.433G>A, p.Asp145Asn (NM_033115.5); short protein forms D145N, D169N, D208N, D36N.
Identifiers: ClinVar variation 1488710 (VCV001488710.8), dbSNP rs2150060864, ClinGen allele CA357825299.